The following is an entry in ClinVar:

NM_177398.4(LMX1A):c.331del (p.Gln111fs)

Gene: LMX1A (LIM homeobox transcription factor 1 alpha; minus strand). Cytogenetic location: 1q23.3.
Variant type: Deletion.
Coding change: c.331del on transcript NM_177398.4 (MANE Select); coding-DNA position 331, one base deleted (C; older notation c.331delC).
Protein change: p.Gln111fs; shifts the reading frame from glutamine 111.
Molecular consequence: frameshift variant.
Genome position (GRCh38, 1-based): chr1:165,249,573, G deleted on the plus strand (C on the coding strand, the reverse complement: LMX1A is on the minus strand); the first of 3 consecutive G bases (chr1:165,249,573-165,249,575); deleting any one gives the same sequence. VCF-style (leftmost placement, unchanged base first): chr1-165249572-TG-T. GRCh37 (hg19) VCF-style: chr1-165218809-TG-T.
Other names: c.331del, p.Gln111fs (NM_001174069.2); short protein forms Q111fs.
Identifiers: ClinVar variation 1687337 (VCV001687337.1), dbSNP rs2102637875, ClinGen allele CA2573131262.
Genomic context (GRCh38, chr1:165,249,572, plus strand): 5'-TTCTGAAGCTGTCGCTCGCAGACACAGCAGCAGAAGCAGCTCAGGTGGTATACACTCTTC[TG>T]GGCCCGCATAACAAACTCATTGGGAGCGATGGCCTCGAAGCAGCCCCCACATTTAACAGC-3'

ClinVar aggregate classification (germline): Likely pathogenic (1 of 4 stars; one submission).

Conditions:
Autosomal dominant nonsyndromic hearing loss 7. Also called: Deafness, autosomal dominant 7. Identifiers: Orphanet 90635, MedGen C1832379, MONDO:0011074, OMIM 601412.

Submission:

3billion
Classification: Likely pathogenic for Autosomal dominant nonsyndromic hearing loss 7. Last evaluated: 2022-05-22. Review status: criteria provided, single submitter. Criteria: ACMG Guidelines, 2015. Collection method: clinical testing. Allele origin: germline. Affected: yes. Observed: 1 heterozygote.
Comment: The variant is not observed in the gnomAD v2.1.1 dataset. Frameshift: predicted to result in a loss or disruption of normal protein function through nonsense-mediated decay (NMD) or protein truncation. Therefore, this variant is classified as likely pathogenic according to the recommendation of ACMG/AMP guideline.